The following is an entry in ClinVar:

NM_001374828.1(ARID1B):c.2406G>A (p.Pro802=)

Gene: ARID1B (AT-rich interaction domain 1B; plus strand). Cytogenetic location: 6q25.3.
Variant type: single nucleotide variant.
Coding change: c.2406G>A on transcript NM_001374828.1 (MANE Select); coding-DNA position 2406, G replaced by A.
Protein change: p.Pro802=; no amino-acid change (proline 802 retained).
Molecular consequence: synonymous variant. On other transcripts: 5 prime UTR variant (1).
Genome position (GRCh38, 1-based): chr6:157,084,820, G>A. VCF-style: chr6-157084820-G-A. GRCh37 (hg19) VCF-style: chr6-157405954-G-A.
Other names: c.-94G>A (NM_001363725.2); c.2445G>A, p.Pro815= (NM_001371656.1, NM_001374820.1); c.2406G>A, p.Pro802= (NM_017519.3); c.2196G>A (NM_020732.3).
Identifiers: ClinVar variation 1366947 (VCV001366947.9), dbSNP rs374696557, ClinGen allele CA4067035.

ClinVar aggregate classification (germline): Benign/Likely benign. Review status: criteria provided, multiple submitters, no conflicts (2 of 4 stars). 2 submissions from 2 submitters: Benign (1); Likely benign (1). Last evaluated 2026-02-19.

Conditions:
ARID1B-Related Disorder. Identifiers: MedGen CN381337.

Allele frequency attached by ClinVar (database versions not stated): ExAC 0.00004; gnomAD exomes 0.00005; gnomAD 0.00006; ESP Exome Variant Server 0.00008.
gnomAD v4.1: 94 of 1,607,144 alleles (0.0058%); highest among the groups gnomAD compares: East Asian, 0.011%; no homozygotes.

Submissions (2):

PreventionGenetics, part of Exact Sciences
Classification: Likely benign for ARID1B-related condition. Last evaluated: 2026-02-19. Review status: criteria provided, single submitter. Criteria: ACMG Guidelines, 2015. Collection method: clinical testing. Allele origin: germline.
Comment: This variant is classified as likely benign based on ACMG/AMP sequence variant interpretation guidelines (Richards et al. 2015 PMID: 25741868, with internal and published modifications).

Labcorp Genetics (formerly Invitae), Labcorp
Classification: Benign. Last evaluated: 2026-01-28. Review status: criteria provided, single submitter. Criteria: Invitae Variant Classification Sherloc (09022015). Collection method: clinical testing. Allele origin: germline.